The following is an entry in ClinVar:

NM_002439.5(MSH3):c.1914CTT[1] (p.Phe639del)

Gene: MSH3 (mutS homolog 3; plus strand). Cytogenetic location: 5q14.1.
Variant type: Microsatellite.
Coding change: c.1914CTT[1] on transcript NM_002439.5 (MANE Select); one copy of the 3-base unit CTT starting at c.1914; the reference has two copies in a row; one copy, 3 bases deleted; also written c.1917_1919del.
Protein change: p.Phe639del; deletes phenylalanine 639.
Molecular consequence: inframe deletion.
Genome position (GRCh38, 1-based): chr5:80,767,953-80,767,955, CTT deleted; deleting any 3 consecutive bases within chr5:80,767,948-80,767,955 gives the same sequence; the position shown is the placement nearest the transcript's 3' end. VCF-style (leftmost placement, unchanged base first): chr5-80767947-GTTC-G. GRCh37 (hg19) VCF-style: chr5-80063766-GTTC-G.
Other names: c.1917_1919del (NM_002439.4); short protein forms F639del.
Identifiers: ClinVar variation 585053 (VCV000585053.15), dbSNP rs758193305, ClinGen allele CA3328100.
Genomic context (GRCh38, chr5:80,767,947, plus strand): 5'-TTTCATGTATCTTATGCTATTTCATAAAAAATATTTCTATTTTCAGTGTTCTACCCAAGA[GTTC>G]TTCTTGATTGTCAAAACTTTATATCACCTAAAGTCAGAATTTCAAGCAATAATACCTGCT-3'

ClinVar aggregate classification (germline): Uncertain significance. Review status: criteria provided, multiple submitters, no conflicts (2 of 4 stars). 4 submissions from 4 submitters: Uncertain significance (4). Last evaluated 2025-11-10.

Conditions:
Hereditary cancer-predisposing syndrome. Also called: Tumor predisposition; Neoplastic Syndromes, Hereditary; Hereditary neoplastic syndrome; Hereditary Cancer Syndrome. Identifiers: Orphanet 140162, MedGen C0027672, MeSH D009386, MONDO:0015356.
Endometrial carcinoma. Also called: Endometrial carcinoma, somatic. Identifiers: MedGen C0476089, MONDO:0002447, OMIM 608089, HP:0012114.
Familial adenomatous polyposis 4 (FAP4). Also called: MSH3-related attenuated familial adenomatous polyposis. Identifiers: Orphanet 480536, MedGen C4310719, MONDO:0044300, OMIM 617100.

Submissions (4):

Labcorp Genetics (formerly Invitae), Labcorp
Classification: Uncertain significance. Last evaluated: 2025-11-10. Review status: criteria provided, single submitter. Criteria: Invitae Variant Classification Sherloc (09022015). Collection method: clinical testing. Allele origin: germline.
Comment: This variant, c.1917_1919del, results in the deletion of 1 amino acid(s) of the MSH3 protein (p.Phe639del), but otherwise preserves the integrity of the reading frame. This variant is present in population databases (rs758193305, gnomAD 0.007%). This variant has not been reported in the literature in individuals affected with MSH3-related conditions. ClinVar contains an entry for this variant (Variation ID: 585053). Experimental studies and prediction algorithms are not available or were not evaluated, and the functional significance of this variant is currently unknown. In summary, the available evidence is currently insufficient to determine the role of this variant in disease. Therefore, it has been classified as a Variant of Uncertain Significance.

Ambry Genetics
Classification: Uncertain significance for Hereditary cancer-predisposing syndrome. Last evaluated: 2024-04-09. Review status: criteria provided, single submitter. Criteria: Ambry Variant Classification Scheme 2023. Collection method: clinical testing. Allele origin: germline.
Comment: The c.1917_1919delCTT variant (also known as p.F639del) is located in coding exon 14 of the MSH3 gene. This variant results from an in-frame CTT deletion at nucleotide positions 1917 to 1919. This results in the in-frame deletion of a phenylalanine at codon 639. This amino acid position is well conserved in available vertebrate species. In addition, this alteration is predicted to be deleterious by in silico analysis (Choi Y et al. PLoS ONE. 2012; 7(10):e46688). Since supporting evidence is limited at this time, the clinical significance of this alteration remains unclear.

Department of Pathology and Laboratory Medicine, Sinai Health System
Classification: Uncertain significance for Endometrial carcinoma; Familial adenomatous polyposis 4. Last evaluated: 2022-12-22. Review status: criteria provided, single submitter. Criteria: ACMG Guidelines, 2015. Collection method: clinical testing. Allele origin: germline. Affected: yes.

GeneDx
Classification: Uncertain significance. Last evaluated: 2022-07-01. Review status: criteria provided, single submitter. Criteria: GeneDx Variant Classification Process June 2021. Collection method: clinical testing. Allele origin: germline. Affected: yes.
Comment: Not observed at significant frequency in large population cohorts (gnomAD); In-frame deletion of 1 amino acid in a non-repeat region; In silico analysis supports a deleterious effect on protein structure/function; Has not been previously published as pathogenic or benign to our knowledge